The following is an entry in ClinVar:

ClinVar aggregate classification (germline): Likely benign (1 of 4 stars; one submission).

Conditions:
Torsion dystonia 6 (DYT6). Also called: DYT-THAP1. Identifiers: Orphanet 98806, MedGen C1414216, MONDO:0011264, OMIM 602629.

Allele frequency attached by ClinVar (database versions not stated): gnomAD exomes 0.00015 and 0.00030; TOPMed 0.00025; gnomAD 0.00026; ExAC 0.00029; ESP Exome Variant Server 0.00031; 1000 Genomes Project 0.00060; 1000 Genomes Project 30x 0.00078.
gnomAD v4.1: 268 of 1,611,562 alleles (0.017%); highest among the groups gnomAD compares: Admixed American, 0.067%; 1 homozygote.

Submission:

Illumina Laboratory Services, Illumina
Classification: Likely benign for Torsion dystonia 6. Last evaluated: 2017-04-27. Review status: criteria provided, single submitter. Criteria: ICSL Variant Classification Criteria 13 December 2019. Collection method: clinical testing. Allele origin: germline.
Comment: This variant was observed as part of a predisposition screen in an ostensibly healthy population. A literature search was performed for the gene, cDNA change, and amino acid change (where applicable). Publications were found based on this search. The evidence from the literature, in combination with allele frequency data from public databases where available, was sufficient to determine this variant is unlikely to cause disease. Therefore, this variant is classified as likely benign.

Literature cited by the submitters: PubMed 23036512.

NM_018105.3(THAP1):c.-40T>C

Gene: THAP1 (THAP domain containing 1; minus strand). Cytogenetic location: 8p11.21.
Variant type: single nucleotide variant.
Coding change: c.-40T>C on transcript NM_018105.3 (MANE Select); 40 bases upstream of the start codon, T replaced by C.
Molecular consequence: 5 prime UTR variant.
Genome position (GRCh38, 1-based): chr8:42,843,134, A>G on the plus strand (T>C on the coding strand, the complement: THAP1 is on the minus strand). VCF-style: chr8-42843134-A-G. GRCh37 (hg19) VCF-style: chr8-42698277-A-G.
Other names: c.-40T>C (NM_199003.2).
Identifiers: ClinVar variation 363128 (VCV000363128.5), dbSNP rs368815106, ClinGen allele CA4734646.